The following is an entry in ClinVar:

NM_000051.4(ATM):c.3490T>G (p.Cys1164Gly)

Gene: ATM (ATM serine/threonine kinase; plus strand). Cytogenetic location: 11q22.3.
Variant type: single nucleotide variant.
Coding change: c.3490T>G on transcript NM_000051.4 (MANE Select); coding-DNA position 3490, T replaced by G.
Protein change: p.Cys1164Gly; replaces cysteine 1164 with glycine.
Molecular consequence: missense variant.
Genome position (GRCh38, 1-based): chr11:108,281,082, T>G. VCF-style: chr11-108281082-T-G. GRCh37 (hg19) VCF-style: chr11-108151809-T-G.
Other names: c.3490T>G, p.Cys1164Gly (NM_001351834.2); c.3490T>G (NM_000051.3); short protein forms C1164G.
Identifiers: ClinVar variation 1472343 (VCV001472343.9), dbSNP rs2135667927, ClinGen allele CA382519631.
Genomic context (GRCh38, chr11:108,281,082, plus strand): 5'-TTGGATGAAATTTATAATAGAAAATCTGTTTTACTGACGTTGATAGCTGTGGTTTTATCC[T>G]GTAGCCCTATCTGCGAAAAACAGGCTTTGTTTGCCCTGTGTAAATCTGTGAAAGAGAATG-3'
Protein context (NP_000042.3, residues 1154-1174): LLTLIAVVLS[Cys1164Gly]SPICEKQALF

ClinVar aggregate classification (germline): Uncertain significance. Review status: criteria provided, multiple submitters, no conflicts (2 of 4 stars). 2 submissions from 2 submitters: Uncertain significance (2). Last evaluated 2026-04-01.

Conditions:
Hereditary cancer-predisposing syndrome. Also called: Tumor predisposition; Neoplastic Syndromes, Hereditary; Hereditary Cancer Syndrome; Hereditary neoplastic syndrome. Identifiers: Orphanet 140162, MedGen C0027672, MeSH D009386, MONDO:0015356.
Ataxia-telangiectasia syndrome (AT). Also called: Ataxia-telangiectasia, complementation group D; ATAXIA-TELANGIECTASIA, COMPLEMENTATION GROUP A; ATAXIA-TELANGIECTASIA, FRESNO VARIANT; Ataxia-telangiectasia; AT, COMPLEMENTATION GROUP C; LOUIS-BAR SYNDROME. Identifiers: Orphanet 100, MedGen C0004135, MONDO:0008840, OMIM 208900.

Submissions (2):

Ambry Genetics
Classification: Uncertain significance for Hereditary cancer-predisposing syndrome. Last evaluated: 2026-04-01. Review status: criteria provided, single submitter. Criteria: Ambry Variant Classification Scheme 2023. Collection method: clinical testing. Allele origin: germline.
Comment: The p.C1164G variant (also known as c.3490T>G), located in coding exon 23 of the ATM gene, results from a T to G substitution at nucleotide position 3490. The cysteine at codon 1164 is replaced by glycine, an amino acid with highly dissimilar properties. In an assay testing ATM function, this variant showed a functionally normal result (Lee KS et al. Cell, 2025 Sep;188:5081-5099.e27). This amino acid position is highly conserved in available vertebrate species. In addition, the in silico prediction for this alteration is inconclusive. Based on the available evidence, the clinical significance of this variant remains unclear.

Labcorp Genetics (formerly Invitae), Labcorp
Classification: Uncertain significance for Ataxia-telangiectasia syndrome. Last evaluated: 2024-04-25. Review status: criteria provided, single submitter. Criteria: Invitae Variant Classification Sherloc (09022015). Collection method: clinical testing. Allele origin: germline.
Comment: This sequence change replaces cysteine, which is neutral and slightly polar, with glycine, which is neutral and non-polar, at codon 1164 of the ATM protein (p.Cys1164Gly). This variant is not present in population databases (gnomAD no frequency). This variant has not been reported in the literature in individuals affected with ATM-related conditions. ClinVar contains an entry for this variant (Variation ID: 1472343). An algorithm developed to predict the effect of missense changes on protein structure and function (PolyPhen-2) suggests that this variant is likely to be tolerated. In summary, the available evidence is currently insufficient to determine the role of this variant in disease. Therefore, it has been classified as a Variant of Uncertain Significance.

Literature cited by the submitters: PubMed 40580951 (cited by Ambry Genetics).